The following is an entry in ClinVar:

ClinVar aggregate classification (germline): Likely pathogenic. Review status: criteria provided, single submitter (1 of 4 stars). 2 submissions from 2 submitters: Likely pathogenic (1). 1 of the submissions does not count toward it. Last evaluated 2025-03-18.

Conditions:
Combined immunodeficiency due to moesin deficiency. Also called: IMMUNODEFICIENCY 50, X-LINKED RECESSIVE; Immunodeficiency 50. Identifiers: Orphanet 504530, MedGen C5568123, MONDO:0010514, OMIM 300988.

Submissions (2):

GeneDx
Classification: Likely pathogenic. Last evaluated: 2025-03-18. Review status: criteria provided, single submitter. Criteria: GeneDx Variant Classification Process June 2021. Collection method: clinical testing. Allele origin: germline. Affected: yes.
Comment: Nonsense variant predicted to result in protein truncation as the last 25 amino acids are lost; Not observed at significant frequency in large population cohorts (gnomAD); This variant is associated with the following publications: (PMID: 30779216, 29556235, 27405666)

OMIM
Classification: Pathogenic for IMMUNODEFICIENCY 50. Last evaluated: 2016-12-20. Review status: no assertion criteria provided. Collection method: literature only. Allele origin: germline. Not counted in ClinVar's aggregate classification.

Literature cited by the submitters: PubMed 27405666 (cited by OMIM); Andre-Schmutz, I. Personal Communication. 2016. Paris, France (cited by OMIM).

NM_002444.3(MSN):c.1657C>T (p.Arg553Ter)

Gene: MSN (moesin; plus strand). Cytogenetic location: Xq12.
Variant type: single nucleotide variant.
Coding change: c.1657C>T on transcript NM_002444.3 (MANE Select); coding-DNA position 1657, C replaced by T.
Protein change: p.Arg553Ter; replaces arginine 553 with a stop codon.
Molecular consequence: nonsense.
Genome position (GRCh38, 1-based): chrX:65,739,816, C>T. VCF-style: chrX-65739816-C-T. GRCh37 (hg19) VCF-style: chrX-64959678-C-T.
Other names: short protein forms R553*.
Identifiers: ClinVar variation 372155 (VCV000372155.3), dbSNP rs1057519075, ClinGen allele CA16042219.